The following is an entry in ClinVar:

NM_000384.3(APOB):c.3881T>G (p.Leu1294Trp)

Gene: APOB (apolipoprotein B; minus strand). Cytogenetic location: 2p24.1.
Variant type: single nucleotide variant.
Coding change: c.3881T>G on transcript NM_000384.3 (MANE Select); coding-DNA position 3881, T replaced by G.
Protein change: p.Leu1294Trp; replaces leucine 1294 with tryptophan.
Molecular consequence: missense variant.
Genome position (GRCh38, 1-based): chr2:21,013,495, A>C on the plus strand (T>G on the coding strand, the complement: APOB is on the minus strand). VCF-style: chr2-21013495-A-C. GRCh37 (hg19) VCF-style: chr2-21236367-A-C.
Other names: short protein forms L1294W.
Identifiers: ClinVar variation 3307578 (VCV003307578.1).

ClinVar aggregate classification (germline): Uncertain significance (1 of 4 stars; one submission).

Conditions:
Cardiovascular phenotype. Identifiers: MedGen CN230736.

Submission:

Ambry Genetics
Classification: Uncertain significance for Cardiovascular phenotype. Last evaluated: 2024-04-07. Review status: criteria provided, single submitter. Criteria: Ambry Variant Classification Scheme 2023. Collection method: clinical testing. Allele origin: germline.
Comment: The p.L1294W variant (also known as c.3881T>G), located in coding exon 25 of the APOB gene, results from a T to G substitution at nucleotide position 3881. The leucine at codon 1294 is replaced by tryptophan, an amino acid with similar properties. This amino acid position is conserved. In addition, this alteration is predicted to be tolerated by in silico analysis. Based on the available evidence, the clinical significance of this variant remains unclear.